The following is an entry in ClinVar:

NM_032816.5(CEP89):c.505C>T (p.His169Tyr)

Gene: CEP89 (centrosomal protein 89; minus strand). Cytogenetic location: 19q13.11.
Variant type: single nucleotide variant.
Coding change: c.505C>T on transcript NM_032816.5 (MANE Select); coding-DNA position 505, C replaced by T.
Protein change: p.His169Tyr; replaces histidine 169 with tyrosine.
Molecular consequence: missense variant.
Genome position (GRCh38, 1-based): chr19:32,948,356, G>A on the plus strand (C>T on the coding strand, the complement: CEP89 is on the minus strand). VCF-style: chr19-32948356-G-A. GRCh37 (hg19) VCF-style: chr19-33439262-G-A.
Other names: short protein forms H169Y.
Identifiers: ClinVar variation 3610506 (VCV003610506.2).

ClinVar aggregate classification (germline): Uncertain significance (1 of 4 stars; one submission).

gnomAD v4.1: 7 of 1,603,434 alleles (0.00044%); highest among the groups gnomAD compares: Non-Finnish European, 0.00043%; no homozygotes.

Submission:

Labcorp Genetics (formerly Invitae), Labcorp
Classification: Uncertain significance. Last evaluated: 2024-10-10. Review status: criteria provided, single submitter. Criteria: Invitae Variant Classification Sherloc (09022015). Collection method: clinical testing. Allele origin: germline.
Comment: This sequence change replaces histidine, which is basic and polar, with tyrosine, which is neutral and polar, at codon 169 of the CEP89 protein (p.His169Tyr). This variant is not present in population databases (gnomAD no frequency). This variant has not been reported in the literature in individuals affected with CEP89-related conditions. An algorithm developed to predict the effect of missense changes on protein structure and function outputs the following: PolyPhen-2: "Benign". The tyrosine amino acid residue is found in multiple mammalian species, which suggests that this missense change does not adversely affect protein function. In summary, the available evidence is currently insufficient to determine the role of this variant in disease. Therefore, it has been classified as a Variant of Uncertain Significance.